The following is an entry in ClinVar:

ClinVar aggregate classification (germline): Uncertain significance (1 of 4 stars; one submission).

Conditions:
Catecholaminergic polymorphic ventricular tachycardia 1. Also called: VENTRICULAR TACHYCARDIA, STRESS-INDUCED POLYMORPHIC 1; VENTRICULAR TACHYCARDIA, CATECHOLAMINERGIC POLYMORPHIC, 1, WITH OR WITHOUT ATRIAL DYSFUNCTION AND/OR DILATED CARDIOMYOPATHY; RYR2-Related Catecholaminergic Polymorphic Ventricular Tachycardia. Identifiers: Orphanet 3286, MedGen C1631597, MONDO:0011484, OMIM 604772.

gnomAD v4.1: 1 of 1,613,552 alleles (0.000062%); highest among the groups gnomAD compares: Non-Finnish European, 0.000085%; no homozygotes.

Submission:

Labcorp Genetics (formerly Invitae), Labcorp
Classification: Uncertain significance for Catecholaminergic polymorphic ventricular tachycardia 1. Last evaluated: 2024-10-18. Review status: criteria provided, single submitter. Criteria: Invitae Variant Classification Sherloc (09022015). Collection method: clinical testing. Allele origin: germline.
Comment: This sequence change replaces glutamic acid, which is acidic and polar, with lysine, which is basic and polar, at codon 4074 of the RYR2 protein (p.Glu4074Lys). This variant is not present in population databases (gnomAD no frequency). This variant has not been reported in the literature in individuals affected with RYR2-related conditions. Invitae Evidence Modeling of protein sequence and biophysical properties (such as structural, functional, and spatial information, amino acid conservation, physicochemical variation, residue mobility, and thermodynamic stability) indicates that this missense variant is not expected to disrupt RYR2 protein function with a negative predictive value of 95%. In summary, the available evidence is currently insufficient to determine the role of this variant in disease. Therefore, it has been classified as a Variant of Uncertain Significance.

NM_001035.3(RYR2):c.12220G>A (p.Glu4074Lys)

Gene: RYR2 (ryanodine receptor 2; plus strand). Cytogenetic location: 1q43.
Variant type: single nucleotide variant.
Coding change: c.12220G>A on transcript NM_001035.3 (MANE Select); coding-DNA position 12220, G replaced by A.
Protein change: p.Glu4074Lys; replaces glutamic acid 4074 with lysine.
Molecular consequence: missense variant.
Genome position (GRCh38, 1-based): chr1:237,783,932, G>A. VCF-style: chr1-237783932-G-A. GRCh37 (hg19) VCF-style: chr1-237947232-G-A.
Other names: short protein forms E4074K.
Identifiers: ClinVar variation 3704865 (VCV003704865.2).